The following is an entry in ClinVar:

NM_001042492.3(NF1):c.1472A>G (p.Tyr491Cys)

Gene: NF1 (neurofibromin 1; plus strand). Cytogenetic location: 17q11.2.
Variant type: single nucleotide variant.
Coding change: c.1472A>G on transcript NM_001042492.3 (MANE Select); coding-DNA position 1472, A replaced by G.
Protein change: p.Tyr491Cys; replaces tyrosine 491 with cysteine.
Molecular consequence: missense variant.
Genome position (GRCh38, 1-based): chr17:31,214,530, A>G. VCF-style: chr17-31214530-A-G. GRCh37 (hg19) VCF-style: chr17-29541548-A-G.
Other names: c.1472A>G, p.Tyr491Cys (NM_000267.4, NM_001128147.3); short protein forms Y491C.
Identifiers: ClinVar variation 68300 (VCV000068300.18), dbSNP rs199474757, ClinGen allele CA219388.

ClinVar aggregate classification (germline): Conflicting classifications of pathogenicity. Review status: criteria provided, conflicting classifications (1 of 4 stars). 7 submissions from 7 submitters: Uncertain significance (5); Benign (1). 1 of the submissions does not count toward it. Last evaluated 2025-09-12.

Conditions:
Hereditary cancer-predisposing syndrome. Also called: Tumor predisposition; Hereditary Cancer Syndrome; Neoplastic Syndromes, Hereditary; Hereditary neoplastic syndrome. Identifiers: Orphanet 140162, MedGen C0027672, MeSH D009386, MONDO:0015356.
Cardiovascular phenotype. Identifiers: MedGen CN230736.
Neurofibromatosis, type 1 (NF1). Also called: Peripheral type neurofibromatosis; VON RECKLINGHAUSEN DISEASE; NEUROFIBROMATOSIS, TYPE I, SOMATIC; Neurofibromatosis, type I. Identifiers: Orphanet 636, MedGen C0027831, MONDO:0018975, OMIM 162200. Disease mechanism: loss of function.

Allele frequency attached by ClinVar (database versions not stated): gnomAD exomes 0.00001 and 0.00002.
gnomAD v4.1: 29 of 1,612,362 alleles (0.0018%); highest among the groups gnomAD compares: Non-Finnish European, 0.0024%; no homozygotes.

Submissions (7):

Ambry Genetics
Classification: Uncertain significance for Cardiovascular phenotype; Hereditary cancer-predisposing syndrome. Last evaluated: 2025-09-12. Review status: criteria provided, single submitter. Criteria: Ambry Variant Classification Scheme 2023. Collection method: clinical testing. Allele origin: germline.
Comment: The p.Y491C variant (also known as c.1472A>G), located in coding exon 13 of the NF1 gene, results from an A to G substitution at nucleotide position 1472. The tyrosine at codon 491 is replaced by cysteine, an amino acid with highly dissimilar properties. This variant was identified in two individuals with neurofibromatosis type 1 in a study of more than 500 neurofibromatosis type 1 probands (Fahsold R et al. Am. J. Hum. Genet., 2000 Mar;66:790-818). This amino acid position is not well conserved in available vertebrate species. In addition, this alteration is predicted to be tolerated by in silico analysis. Since supporting evidence is limited at this time, the clinical significance of this alteration remains unclear.

Labcorp Genetics (formerly Invitae), Labcorp
Classification: Benign for Neurofibromatosis, type 1. Last evaluated: 2025-03-31. Review status: criteria provided, single submitter. Criteria: Invitae Variant Classification Sherloc (09022015). Collection method: clinical testing. Allele origin: germline.

Mayo Clinic Laboratories, Mayo Clinic
Classification: Uncertain significance. Last evaluated: 2025-02-18. Review status: criteria provided, single submitter. Criteria: ACMG Guidelines, 2015. Collection method: clinical testing. Allele origin: germline. Observed: 1 variant allele.
Comment: BP4, PP4

Quest Diagnostics Nichols Institute San Juan Capistrano
Classification: Uncertain significance. Last evaluated: 2024-12-07. Review status: criteria provided, single submitter. Criteria: Quest Diagnostics criteria. Collection method: clinical testing. Allele origin: unknown.

GeneDx
Classification: Uncertain significance. Last evaluated: 2023-06-09. Review status: criteria provided, single submitter. Criteria: GeneDx Variant Classification Process June 2021. Collection method: clinical testing. Allele origin: germline. Affected: yes.
Comment: In silico analysis supports that this missense variant does not alter protein structure/function; This variant is associated with the following publications: (PMID: 24803665, 10712197)

Genome-Nilou Lab
Classification: Uncertain significance for Neurofibromatosis, type 1. Last evaluated: 2022-03-15. Review status: criteria provided, single submitter. Criteria: ACMG Guidelines, 2015. Collection method: clinical testing. Allele origin: germline. Affected: no.

UniProtKB/Swiss-Prot
No classification provided. Review status: no classification provided. Collection method: not provided. Allele origin: not provided. Not counted in ClinVar's aggregate classification.

Literature cited by the submitters: PubMed 10712197 (cited by Ambry Genetics and Mayo Clinic Laboratories, Mayo Clinic); PubMed 24803665 (cited by Ambry Genetics).